The following is an entry in ClinVar:

NM_001378969.1(KCND3):c.1372-34G>A

Gene: KCND3 (potassium voltage-gated channel subfamily D member 3; minus strand). Cytogenetic location: 1p13.2.
Variant type: single nucleotide variant.
Coding change: c.1372-34G>A on transcript NM_001378969.1 (MANE Select); 34 bases into the intron before coding-DNA position 1372, G replaced by A.
Molecular consequence: intron variant.
Genome position (GRCh38, 1-based): chr1:111,780,348, C>T on the plus strand (G>A on the coding strand, the complement: KCND3 is on the minus strand). VCF-style: chr1-111780348-C-T. GRCh37 (hg19) VCF-style: chr1-112322970-C-T.
Other names: c.1372-34G>A (NM_001378970.1, NM_172198.3, NM_004980.5).
Identifiers: ClinVar variation 674846 (VCV000674846.2), dbSNP rs72548728, ClinGen allele CA1007447.

ClinVar aggregate classification (germline): Likely benign. Review status: criteria provided, multiple submitters, no conflicts (2 of 4 stars). 2 submissions from 2 submitters: Likely benign (2). Last evaluated 2018-06-19.

Allele frequency attached by ClinVar (database versions not stated): gnomAD exomes 0.00278; ExAC 0.00605; 1000 Genomes Project 0.00998; gnomAD 0.01117 and 0.01200; 1000 Genomes Project 30x 0.01171; TOPMed 0.01243; ESP Exome Variant Server 0.01270.
gnomAD v4.1: 3,218 of 1,534,290 alleles (0.21%); highest among the groups gnomAD compares: African/African-American, 4%; 57 homozygotes.

Submissions (2):

GeneDx
Classification: Likely benign. Last evaluated: 2018-06-19. Review status: criteria provided, single submitter. Criteria: GeneDx Variant Classification (06012015). Collection method: clinical testing. Allele origin: germline. Affected: yes.
Comment: This variant is considered likely benign or benign based on one or more of the following criteria: it is a conservative change, it occurs at a poorly conserved position in the protein, it is predicted to be benign by multiple in silico algorithms, and/or has population frequency not consistent with disease.

Breakthrough Genomics
Classification: Likely benign. Review status: criteria provided, single submitter. Criteria: ACMG Guidelines, 2015. Collection method: not provided. Allele origin: germline. Inheritance: Autosomal dominant inheritance. Affected: yes.